The following is an entry in ClinVar:

ClinVar aggregate classification (germline): Pathogenic (1 of 4 stars; one submission).

Submission:

Labcorp Genetics (formerly Invitae), Labcorp
Classification: Pathogenic. Last evaluated: 2021-11-04. Review status: criteria provided, single submitter. Criteria: Invitae Variant Classification Sherloc (09022015). Collection method: clinical testing. Allele origin: germline.
Comment: For these reasons, this variant has been classified as Pathogenic. This variant has not been reported in the literature in individuals affected with PDE6C-related conditions. This variant is not present in population databases (gnomAD no frequency). This sequence change creates a premature translational stop signal (p.Leu494*) in the PDE6C gene. It is expected to result in an absent or disrupted protein product. Loss-of-function variants in PDE6C are known to be pathogenic (PMID: 19887631, 23776498, 26103963, 30080950).

Literature cited by the submitters: PubMed 19887631; PubMed 23776498; PubMed 26103963; PubMed 30080950.

NM_006204.4(PDE6C):c.1481del (p.Ile493_Leu494insTer)

Gene: PDE6C (phosphodiesterase 6C; plus strand). Cytogenetic location: 10q23.33.
Variant type: Deletion.
Coding change: c.1481del on transcript NM_006204.4 (MANE Select); coding-DNA position 1481, one base deleted (T; older notation c.1481delT).
Protein change: p.Ile493_Leu494insTer.
Molecular consequence: nonsense.
Genome position (GRCh38, 1-based): chr10:93,637,062, T deleted; the last of 4 consecutive T bases (chr10:93,637,059-93,637,062); deleting any one gives the same sequence. VCF-style (leftmost placement, unchanged base first): chr10-93637058-AT-A. GRCh37 (hg19) VCF-style: chr10-95396815-AT-A.
Identifiers: ClinVar variation 1457707 (VCV001457707.6), dbSNP rs2058536729, ClinGen allele CA1928711772.